The following is an entry in ClinVar:

NM_003482.4(KMT2D):c.7044G>T (p.Arg2348Ser)

Gene: KMT2D (lysine methyltransferase 2D; minus strand). Cytogenetic location: 12q13.12.
Variant type: single nucleotide variant.
Coding change: c.7044G>T on transcript NM_003482.4 (MANE Select); coding-DNA position 7044, G replaced by T.
Protein change: p.Arg2348Ser; replaces arginine 2348 with serine.
Molecular consequence: missense variant.
Genome position (GRCh38, 1-based): chr12:49,040,726, C>A on the plus strand (G>T on the coding strand, the complement: KMT2D is on the minus strand). VCF-style: chr12-49040726-C-A. GRCh37 (hg19) VCF-style: chr12-49434509-C-A.
Other names: short protein forms R2348S.
Identifiers: ClinVar variation 2311318 (VCV002311318.4), dbSNP rs2120533461, ClinGen allele CA384749001.
Genomic context (GRCh38, chr12:49,040,726, plus strand): 5'-GATGTCTGGGTGACTTGGAGGAGAAGGTGCCAAAGCCTGGGCAGGGGGTGGCTCCTGGGG[C>A]CTTAGGCCCAAGCCCGGGCTCTGGGGCTCTACCTGAGATGCCCGAGGGGTCAGGGGGGCT-3'
Protein context (NP_003473.3, residues 2338-2358): VEPQSPGLGL[Arg2348Ser]PQEPPPAQAL

ClinVar aggregate classification (germline): Uncertain significance. Review status: criteria provided, single submitter (1 of 4 stars). 2 submissions from 2 submitters: Uncertain significance (1). 1 of the submissions does not count toward it. Last evaluated 2022-09-07.

Conditions:
KMT2D-related disorder. Also called: KMT2D-Related Disorders.
Inborn genetic diseases. Identifiers: MedGen C0950123, MeSH D030342.

Submissions (2):

Ambry Genetics
Classification: Uncertain significance for Inborn genetic diseases. Last evaluated: 2022-09-07. Review status: criteria provided, single submitter. Criteria: Ambry Variant Classification Scheme 2023. Collection method: clinical testing. Allele origin: germline.

PreventionGenetics, part of Exact Sciences
Classification: Uncertain significance for KMT2D-related condition. Last evaluated: 2023-10-31. Review status: no assertion criteria provided. Collection method: clinical testing. Allele origin: germline. Not counted in ClinVar's aggregate classification.
Comment: The KMT2D c.7044G>T variant is predicted to result in the amino acid substitution p.Arg2348Ser. To our knowledge, this variant has not been reported in the literature or in a large population database, indicating this variant is rare. At this time, the clinical significance of this variant is uncertain due to the absence of conclusive functional and genetic evidence.